The following is an entry in ClinVar:

ClinVar aggregate classification (germline): Likely benign (1 of 4 stars; one submission).

Allele frequency attached by ClinVar (database versions not stated): ExAC 0.00002; gnomAD 0.00003; TOPMed 0.00003; gnomAD exomes 0.00004; ESP Exome Variant Server 0.00008.
gnomAD v4.1: 59 of 1,613,974 alleles (0.0037%); highest among the groups gnomAD compares: Middle Eastern, 0.016%; no homozygotes.

Submission:

CeGaT Center for Human Genetics Tuebingen
Classification: Likely benign. Last evaluated: 2022-12-01. Review status: criteria provided, single submitter. Criteria: CeGaT Center For Human Genetics Tuebingen Variant Classification Criteria Version 2. Collection method: clinical testing. Allele origin: germline. Affected: yes. Observed: 2 variant alleles.
Comment: TGFBRAP1: BP4

NM_004257.6(TGFBRAP1):c.1614C>T (p.Asp538=)

Gene: TGFBRAP1 (transforming growth factor beta receptor associated protein 1; minus strand). Cytogenetic location: 2q12.1.
Variant type: single nucleotide variant.
Coding change: c.1614C>T on transcript NM_004257.6 (MANE Select); coding-DNA position 1614, C replaced by T.
Protein change: p.Asp538=; no amino-acid change (aspartic acid 538 retained).
Molecular consequence: synonymous variant.
Genome position (GRCh38, 1-based): chr2:105,275,611, G>A on the plus strand (C>T on the coding strand, the complement: TGFBRAP1 is on the minus strand). VCF-style: chr2-105275611-G-A. GRCh37 (hg19) VCF-style: chr2-105892068-G-A.
Other names: c.1614C>T, p.Asp538= (NM_001142621.3, NM_001328646.3).
Identifiers: ClinVar variation 2651228 (VCV002651228.24), dbSNP rs373261611, ClinGen allele CA1814002.